The following is an entry in ClinVar:

NM_013247.5(HTRA2):c.968T>G (p.Met323Arg)

Gene: HTRA2 (HtrA serine peptidase 2; plus strand). Cytogenetic location: 2p13.1.
Variant type: single nucleotide variant.
Coding change: c.968T>G on transcript NM_013247.5 (MANE Select); coding-DNA position 968, T replaced by G.
Protein change: p.Met323Arg; replaces methionine 323 with arginine.
Molecular consequence: missense variant. On other transcripts: non-coding transcript variant (4).
Genome position (GRCh38, 1-based): chr2:74,531,625, T>G. VCF-style: chr2-74531625-T-G. GRCh37 (hg19) VCF-style: chr2-74758752-T-G.
Other names: c.998T>G, p.Met333Arg (NM_001321727.1); c.968T>G, p.Met323Arg (NM_001321728.1); c.773T>G, p.Met258Arg (NM_145074.2); short protein forms M323R, M258R, M333R.
Identifiers: ClinVar variation 452371 (VCV000452371.2), dbSNP rs1553395110, ClinGen allele CA347381136.

ClinVar aggregate classification (germline): Uncertain significance (1 of 4 stars; one submission).

Submission:

GeneDx
Classification: Uncertain significance. Last evaluated: 2017-09-26. Review status: criteria provided, single submitter. Criteria: GeneDx Variant Classification (06012015). Collection method: clinical testing. Allele origin: germline. Affected: yes.
Comment: The M323R variant in the HTRA2 gene has not been reported previously as a pathogenic variant, nor as a benign variant, to our knowledge. The M323R variant is not observed in large population cohorts (Lek et al., 2016). The M323R variant is a non-conservative amino acid substitution, which is likely to impact secondary protein structure as these residues differ in polarity, charge, size and/or other properties. This substitution occurs at a position where amino acids with similar properties to Methionine are tolerated across species. In silico analysis predicts this variant is probably damaging to the protein structure/function. We interpret M323R as a variant of uncertain significance